The following is an entry in ClinVar:

ClinVar aggregate classification (germline): Likely pathogenic (1 of 4 stars; one submission).

Conditions:
Facioscapulohumeral muscular dystrophy 2 (FSHD2). Also called: FACIOSCAPULOHUMERAL MUSCULAR DYSTROPHY 2, DIGENIC; FSHD2, DIGENIC; MUSCULAR DYSTROPHY, FACIOSCAPULOHUMERAL, TYPE 1B. Identifiers: Orphanet 269, MedGen C1834671, MONDO:0008031, OMIM 158901.

Submission:

Labcorp Genetics (formerly Invitae), Labcorp
Classification: Likely pathogenic for Facioscapulohumeral muscular dystrophy 2. Last evaluated: 2022-10-11. Review status: criteria provided, single submitter. Criteria: Invitae Variant Classification Sherloc (09022015). Collection method: clinical testing. Allele origin: germline.
Comment: A similar copy number variant has been observed in individual(s) with clinical features of SMCHD1-related conditions (Invitae). This variant is a gross deletion of the genomic region encompassing exon(s) 26-48 of the SMCHD1 gene, which includes the termination codon. This deletion extends beyond the assayed region for this gene and therefore may encompass additional genes. While this deletion is not anticipated to lead to nonsense mediated decay, it is expected to alter mRNA translation or result in a truncated protein product. In summary, the currently available evidence indicates that the variant is pathogenic, but additional data are needed to prove that conclusively. Therefore, this variant has been classified as Likely Pathogenic.

NC_000018.9:g.(?_2738375)_(2802550_?)del

Gene: SMCHD1 (structural maintenance of chromosomes flexible hinge domain containing 1; plus strand). Cytogenetic location: 18p11.32.
Variant type: Deletion.
Identifiers: ClinVar variation 2426132 (VCV002426132.4).